The following is an entry in ClinVar:

NM_012470.4(TNPO3):c.388G>T (p.Val130Leu)

Gene: TNPO3 (transportin 3; minus strand). Cytogenetic location: 7q32.1.
Variant type: single nucleotide variant.
Coding change: c.388G>T on transcript NM_012470.4 (MANE Select); coding-DNA position 388, G replaced by T.
Protein change: p.Val130Leu; replaces valine 130 with leucine.
Molecular consequence: missense variant. On other transcripts: non-coding transcript variant (18).
Genome position (GRCh38, 1-based): chr7:129,016,990, C>A on the plus strand (G>T on the coding strand, the complement: TNPO3 is on the minus strand). VCF-style: chr7-129016990-C-A. GRCh37 (hg19) VCF-style: chr7-128657044-C-A.
Other names: c.388G>T, p.Val130Leu (NM_001191028.3, NM_001382216.1, NM_001382217.1 and 6 more transcripts); short protein forms V130L.
Identifiers: ClinVar variation 2128013 (VCV002128013.4), dbSNP rs2536417360, ClinGen allele CA369247332.
Genomic context (GRCh38, chr7:129,016,990, plus strand): 5'-GTAGGTTAATGGCAATTCCAAATGCTAATATAGAGTCAATACAAATTACTTACTTTTCCA[C>A]CAGTGTTTGCACACATCCCTTCCAGGAAGGCATCTGTAGGGCAAGATCTGCTATTGCTAA-3'
Protein context (NP_036602.1, residues 120-140): PSWKGCVQTL[Val130Leu]EKYSNDVTSL

ClinVar aggregate classification (germline): Uncertain significance (1 of 4 stars; one submission).

Conditions:
Autosomal dominant limb-girdle muscular dystrophy type 1F (LGMDD2). Also called: Limb-girdle muscular dystrophy, type 1F; MUSCULAR DYSTROPHY, LIMB-GIRDLE, AUTOSOMAL DOMINANT 2. Identifiers: Orphanet 55595, MedGen C1842062, MONDO:0012034, OMIM 608423.

Submission:

Labcorp Genetics (formerly Invitae), Labcorp
Classification: Uncertain significance for Autosomal dominant limb-girdle muscular dystrophy type 1F. Last evaluated: 2022-04-19. Review status: criteria provided, single submitter. Criteria: Invitae Variant Classification Sherloc (09022015). Collection method: clinical testing. Allele origin: germline.
Comment: In summary, the available evidence is currently insufficient to determine the role of this variant in disease. Therefore, it has been classified as a Variant of Uncertain Significance. This variant is not present in population databases (gnomAD no frequency). Algorithms developed to predict the effect of missense changes on protein structure and function (SIFT, PolyPhen-2, Align-GVGD) all suggest that this variant is likely to be tolerated. This variant has not been reported in the literature in individuals affected with TNPO3-related conditions. This sequence change replaces valine, which is neutral and non-polar, with leucine, which is neutral and non-polar, at codon 130 of the TNPO3 protein (p.Val130Leu).